The following is an entry in ClinVar:

ClinVar aggregate classification (germline): Uncertain significance. Review status: criteria provided, multiple submitters, no conflicts (2 of 4 stars). 5 submissions from 5 submitters: Uncertain significance (5). Last evaluated 2025-07-12.

Conditions:
Colorectal cancer, susceptibility to, 12 (CRCS12). Also called: COLORECTAL CANCER, SUSCEPTIBILITY TO, ON CHROMOSOME 12q24. Identifiers: Orphanet 220460, MedGen C3554460, MONDO:0014038, OMIM 615083.
Facial dysmorphism-immunodeficiency-livedo-short stature syndrome. Also called: Facial dysmorphism, immunodeficiency, livedo, and short stature; FILS syndrome. Identifiers: Orphanet 352712, MedGen C3554576, MONDO:0014058, OMIM 615139.
Intrauterine growth retardation, metaphyseal dysplasia, adrenal hypoplasia congenita, genital anomalies, and immunodeficiency. Also called: IMAGEI SYNDROME. Identifiers: MedGen C5193036, MONDO:0032684, OMIM 618336.
Hereditary cancer-predisposing syndrome. Also called: Hereditary neoplastic syndrome; Neoplastic Syndromes, Hereditary; Tumor predisposition; Hereditary Cancer Syndrome. Identifiers: Orphanet 140162, MedGen C0027672, MeSH D009386, MONDO:0015356.

Allele frequency attached by ClinVar (database versions not stated): TOPMed 0.00002.
gnomAD v4.1: 13 of 1,612,366 alleles (0.00081%); highest among the groups gnomAD compares: African/African-American, 0.0067%; no homozygotes.

Submissions (5):

Ambry Genetics
Classification: Uncertain significance for Hereditary cancer-predisposing syndrome. Last evaluated: 2025-07-12. Review status: criteria provided, single submitter. Criteria: Ambry Variant Classification Scheme 2023. Collection method: clinical testing. Allele origin: germline.

Labcorp Genetics (formerly Invitae), Labcorp
Classification: Uncertain significance. Last evaluated: 2024-11-16. Review status: criteria provided, single submitter. Criteria: Invitae Variant Classification Sherloc (09022015). Collection method: clinical testing. Allele origin: germline.
Comment: This sequence change replaces phenylalanine, which is neutral and non-polar, with valine, which is neutral and non-polar, at codon 695 of the POLE protein (p.Phe695Val). This variant is present in population databases (rs5744799, gnomAD 0.008%). This variant has not been reported in the literature in individuals affected with POLE-related conditions. ClinVar contains an entry for this variant (Variation ID: 560841). Invitae Evidence Modeling of protein sequence and biophysical properties (such as structural, functional, and spatial information, amino acid conservation, physicochemical variation, residue mobility, and thermodynamic stability) indicates that this missense variant is not expected to disrupt POLE protein function with a negative predictive value of 80%. RNA analysis performed to evaluate the impact of this missense change on mRNA splicing indicates it does not significantly alter splicing (internal data). In summary, the available evidence is currently insufficient to determine the role of this variant in disease. Therefore, it has been classified as a Variant of Uncertain Significance.

Department of Pathology and Laboratory Medicine, Sinai Health System
Classification: Uncertain significance for Colorectal cancer, susceptibility to, 12; Facial dysmorphism-immunodeficiency-livedo-short stature syndrome; Intrauterine growth retardation, metaphyseal dysplasia, adrenal hypoplasia congenita, genital anomalies, and immunodeficiency. Last evaluated: 2023-09-27. Review status: criteria provided, single submitter. Criteria: ACMG Guidelines, 2015. Collection method: clinical testing. Allele origin: germline. Affected: yes.

GeneDx
Classification: Uncertain significance. Last evaluated: 2022-12-08. Review status: criteria provided, single submitter. Criteria: GeneDx Variant Classification Process June 2021. Collection method: clinical testing. Allele origin: germline. Affected: yes.
Comment: Not observed at significant frequency in large population cohorts (gnomAD); In silico analysis supports that this missense variant has a deleterious effect on protein structure/function; Has not been previously published as pathogenic or benign to our knowledge; This variant is associated with the following publications: (PMID: 20951805)

PreventionGenetics, part of Exact Sciences
Classification: Uncertain significance. Last evaluated: 2017-10-05. Review status: criteria provided, single submitter. Criteria: ACMG Guidelines, 2015. Collection method: clinical testing. Allele origin: germline.

NM_006231.4(POLE):c.2083T>G (p.Phe695Val)

Gene: POLE (DNA polymerase epsilon, catalytic subunit; minus strand). Cytogenetic location: 12q24.33.
Variant type: single nucleotide variant.
Coding change: c.2083T>G on transcript NM_006231.4 (MANE Select); coding-DNA position 2083, T replaced by G.
Protein change: p.Phe695Val; replaces phenylalanine 695 with valine.
Molecular consequence: missense variant.
Genome position (GRCh38, 1-based): chr12:132,668,446, A>C on the plus strand (T>G on the coding strand, the complement: POLE is on the minus strand). VCF-style: chr12-132668446-A-C. GRCh37 (hg19) VCF-style: chr12-133245032-A-C.
Other names: short protein forms F695V.
Identifiers: ClinVar variation 560841 (VCV000560841.14), dbSNP rs5744799, ClinGen allele CA6893692.